The following is an entry in ClinVar:

NM_001458.5(FLNC):c.4404T>C (p.Asp1468=)

Gene: FLNC (filamin C; plus strand). Cytogenetic location: 7q32.1.
Variant type: single nucleotide variant.
Coding change: c.4404T>C on transcript NM_001458.5 (MANE Select); coding-DNA position 4404, T replaced by C.
Protein change: p.Asp1468=; no amino-acid change (aspartic acid 1468 retained).
Molecular consequence: synonymous variant.
Genome position (GRCh38, 1-based): chr7:128,847,812, T>C. VCF-style: chr7-128847812-T-C. GRCh37 (hg19) VCF-style: chr7-128487866-T-C.
Other names: c.4404T>C, p.Asp1468= (NM_001127487.2); c.4404C>C (NM_001458.4).
Identifiers: ClinVar variation 226641 (VCV000226641.25), dbSNP rs2249128, ClinGen allele CA4475325.

ClinVar aggregate classification (germline): Benign. Review status: criteria provided, multiple submitters, no conflicts (2 of 4 stars). 10 submissions from 10 submitters: Benign (7). 3 of the submissions do not count toward it. Last evaluated 2026-02-04.

Conditions:
Hypertrophic cardiomyopathy 26. Also called: Cardiomyopathy, familial hypertrophic, 26. Identifiers: Orphanet 75249, MedGen C4310749, MONDO:0014883, OMIM 617047.
Myofibrillar myopathy 5. Also called: FILAMINOPATHY, AUTOSOMAL DOMINANT; Filaminopathy (type). Identifiers: Orphanet 171445, MedGen C1836050, MONDO:0012289, OMIM 609524.
Distal myopathy with posterior leg and anterior hand involvement. Also called: WILLIAMS DISTAL MYOPATHY. Identifiers: Orphanet 63273, MedGen C3279722, MONDO:0013550, OMIM 614065.

Allele frequency attached by ClinVar (database versions not stated): 1000 Genomes Project 30x 0.98985; TOPMed 0.99011; 1000 Genomes Project 0.99062; gnomAD 0.99086 and 0.99133; ESP Exome Variant Server 0.99125; ExAC 0.99731; gnomAD exomes 0.99786 and 0.99909.
gnomAD v4.1: 1,611,350 of 1,614,052 alleles (100%); highest among the groups gnomAD compares: East Asian, 100%; 804,371 homozygotes.

Submissions (10):

Labcorp Genetics (formerly Invitae), Labcorp
Classification: Benign for Distal myopathy with posterior leg and anterior hand involvement; Myofibrillar myopathy 5; Hypertrophic cardiomyopathy 26. Last evaluated: 2026-02-04. Review status: criteria provided, single submitter. Criteria: Invitae Variant Classification Sherloc (09022015). Collection method: clinical testing. Allele origin: germline.

Molecular Diagnostic Laboratory for Inherited Cardiovascular Disease, Montreal Heart Institute
Classification: Benign. Last evaluated: 2025-04-09. Review status: criteria provided, single submitter. Criteria: ACMG Guidelines, 2015. Collection method: clinical testing. Allele origin: germline. Affected: no.

Blueprint Genetics
Classification: Benign. Last evaluated: 2024-11-27. Review status: criteria provided, single submitter. Criteria: ACMG Guidelines, 2015. Collection method: clinical testing. Allele origin: germline.

Women's Health and Genetics/Laboratory Corporation of America, LabCorp
Classification: Benign. Last evaluated: 2023-04-04. Review status: criteria provided, single submitter. Criteria: LabCorp Variant Classification Summary - May 2015. Collection method: clinical testing. Allele origin: germline.

Eurofins Ntd Llc (ga)
Classification: Benign. Last evaluated: 2016-06-03. Review status: criteria provided, single submitter. Criteria: EGL Classification Definitions 2015. Collection method: clinical testing. Allele origin: germline. Observed: 71 variant alleles, 2 heterozygotes, 69 homozygotes.

Laboratory for Molecular Medicine, Mass General Brigham Personalized Medicine
Classification: Benign. Last evaluated: 2014-11-24. Review status: criteria provided, single submitter. Criteria: LMM Criteria. Collection method: clinical testing. Allele origin: germline. Observed: 14 variant alleles.
Comment: Asp1468Asp in exon 25 of FLNC: This variant is not expected to have clinical sig nificance because it does not alter an amino acid residue and is not located wit hin the splice consensus sequence. It has been identified in 2.7% (106/3868) of African American chromosomes from a broad population by the NHLBI Exome Sequenci ng Project (dbSNP rs2249128).

Breakthrough Genomics
Classification: Benign. Review status: criteria provided, single submitter. Criteria: ACMG Guidelines, 2015. Collection method: not provided. Allele origin: germline. Inheritance: Autosomal dominant inheritance. Affected: yes.

Clinical Genetics, Academic Medical Center
Classification: Benign. Review status: no assertion criteria provided. Collection method: clinical testing. Allele origin: germline. Affected: yes. Study: VKGL Data-share Consensus. Not counted in ClinVar's aggregate classification.

Diagnostic Laboratory, Department of Genetics, University Medical Center Groningen
Classification: Benign. Review status: no assertion criteria provided. Collection method: clinical testing. Allele origin: germline. Affected: yes. Study: VKGL Data-share Consensus. Not counted in ClinVar's aggregate classification.

Genome Diagnostics Laboratory, University Medical Center Utrecht
Classification: Benign. Review status: no assertion criteria provided. Collection method: clinical testing. Allele origin: germline. Affected: yes. Study: VKGL Data-share Consensus. Not counted in ClinVar's aggregate classification.